The following is an entry in ClinVar:

NM_000553.6(WRN):c.3154C>T (p.His1052Tyr)

Gene: WRN (WRN RecQ like helicase; plus strand). Cytogenetic location: 8p12.
Variant type: single nucleotide variant.
Coding change: c.3154C>T on transcript NM_000553.6 (MANE Select); coding-DNA position 3154, C replaced by T.
Protein change: p.His1052Tyr; replaces histidine 1052 with tyrosine.
Molecular consequence: missense variant.
Genome position (GRCh38, 1-based): chr8:31,141,696, C>T. VCF-style: chr8-31141696-C-T. GRCh37 (hg19) VCF-style: chr8-30999212-C-T.
Other names: short protein forms H1052Y.
Identifiers: ClinVar variation 1054640 (VCV001054640.5), dbSNP rs1402031138, ClinGen allele CA370922936.
Genomic context (GRCh38, chr8:31,141,696, plus strand): 5'-TTTGTTTCCCACTCCACATTAAAAGATCCTTTTTGCTTTTAATAGGGTAGAAATTGGCTT[C>T]ATAAAGCTAATACAGAATCTCAGAGCCTCATCCTTCAAGCTAATGAAGAATTGTGTCCAA-3'
Protein context (NP_000544.2, residues 1042-1062): ALTKKGRNWL[His1052Tyr]KANTESQSLI

ClinVar aggregate classification (germline): Uncertain significance (1 of 4 stars; one submission).

Conditions:
Werner syndrome (WRN). Identifiers: Orphanet 902, MedGen C0043119, MONDO:0010196, OMIM 277700.

Allele frequency attached by ClinVar (database versions not stated): gnomAD exomes below 0.00001.
gnomAD v4.1: 2 of 1,614,132 alleles (0.00012%); highest among the groups gnomAD compares: Non-Finnish European, 0.00017%; no homozygotes.

Submission:

Labcorp Genetics (formerly Invitae), Labcorp
Classification: Uncertain significance for Werner syndrome. Last evaluated: 2023-11-18. Review status: criteria provided, single submitter. Criteria: Invitae Variant Classification Sherloc (09022015). Collection method: clinical testing. Allele origin: germline.
Comment: This sequence change replaces histidine, which is basic and polar, with tyrosine, which is neutral and polar, at codon 1052 of the WRN protein (p.His1052Tyr). This variant is present in population databases (no rsID available, gnomAD 0.0009%). This variant has not been reported in the literature in individuals affected with WRN-related conditions. ClinVar contains an entry for this variant (Variation ID: 1054640). An algorithm developed to predict the effect of missense changes on protein structure and function (PolyPhen-2) suggests that this variant is likely to be tolerated. In summary, the available evidence is currently insufficient to determine the role of this variant in disease. Therefore, it has been classified as a Variant of Uncertain Significance.